The following is an entry in ClinVar:

NM_000089.4(COL1A2):c.2323G>C (p.Gly775Arg)

Gene: COL1A2 (collagen type I alpha 2 chain; plus strand). Cytogenetic location: 7q21.3.
Variant type: single nucleotide variant.
Coding change: c.2323G>C on transcript NM_000089.4 (MANE Select); coding-DNA position 2323, G replaced by C.
Protein change: p.Gly775Arg; replaces glycine 775 with arginine.
Molecular consequence: missense variant.
Genome position (GRCh38, 1-based): chr7:94,421,036, G>C. VCF-style: chr7-94421036-G-C. GRCh37 (hg19) VCF-style: chr7-94050348-G-C.
Other names: short protein forms G775R.
Identifiers: ClinVar variation 1390690 (VCV001390690.8), dbSNP rs2115933691, ClinGen allele CA368223702.

ClinVar aggregate classification (germline): Pathogenic (1 of 4 stars; one submission).

Conditions:
Ehlers-Danlos syndrome, classic type, 1 (EDSCL1). Also called: EHLERS-DANLOS SYNDROME, GRAVIS TYPE; EHLERS-DANLOS SYNDROME, SEVERE CLASSIC TYPE; Ehlers-Danlos syndrome, type 1; Ehlers-Danlos Syndrome, Classic Type, COL5A1-Related; EDS I. Identifiers: MedGen C0268335, MONDO:0019567, OMIM 130000.
Osteogenesis imperfecta type I (OI1). Also called: OI, TYPE I; OSTEOGENESIS IMPERFECTA TARDA; OSTEOGENESIS IMPERFECTA WITH BLUE SCLERAE; Osteogenesis imperfecta type 1; Lobstein's Disease; Lobstein disease. Identifiers: Orphanet 216796, Orphanet 666, MedGen C0023931, MONDO:0008146, OMIM 166200. Disease mechanism: loss of function.

Submission:

Labcorp Genetics (formerly Invitae), Labcorp
Classification: Pathogenic for Osteogenesis imperfecta type I; Ehlers-Danlos syndrome, classic type, 1. Last evaluated: 2021-07-08. Review status: criteria provided, single submitter. Criteria: Invitae Variant Classification Sherloc (09022015). Collection method: clinical testing. Allele origin: germline.
Comment: This sequence change replaces glycine with arginine at codon 775 of the COL1A2 protein (p.Gly775Arg). The glycine residue is highly conserved and there is a moderate physicochemical difference between glycine and arginine. This variant is not present in population databases (ExAC no frequency). This variant has been observed in individual(s) with clinical features of osteogenesis imperfecta (PMID: 31414283, Invitae). Advanced modeling of protein sequence and biophysical properties (such as structural, functional, and spatial information, amino acid conservation, physicochemical variation, residue mobility, and thermodynamic stability) performed at Invitae indicates that this missense variant is expected to disrupt COL1A2 protein function. This variant disrupts the triple helix domain of COL1A2. Glycine residues within the Gly-Xaa-Yaa repeats of the triple helix domain are required for the structure and stability of fibrillar collagens (PMID: 7695699, 8218237, 19344236). In COL1A2, variants affecting these glycine residues are significantly enriched in individuals with disease (PMID: 9016532, 17078022) compared to the general population (ExAC). For these reasons, this variant has been classified as Pathogenic.

Literature cited by the submitters: PubMed 31414283; PubMed 7695699; PubMed 8218237; PubMed 19344236; PubMed 9016532; PubMed 17078022.